The following is an entry in ClinVar:

ClinVar aggregate classification (germline): Uncertain significance. Review status: criteria provided, multiple submitters, no conflicts (2 of 4 stars). 3 submissions from 3 submitters: Uncertain significance (3). Last evaluated 2026-08-04.

Conditions:
RFT1-congenital disorder of glycosylation (CDG1N). Also called: CDG In; Congenital disorder of glycosylation type In; RFT1-CDG. Identifiers: Orphanet 244310, MedGen C2677590, MONDO:0012783, OMIM 612015.
RFT1-related disorder. Also called: RFT1-related condition.
Inborn genetic diseases. Identifiers: MedGen C0950123, MeSH D030342.

Allele frequency attached by ClinVar (database versions not stated): gnomAD exomes below 0.00001 and 0.00002; TOPMed below 0.00001; gnomAD 0.00001; ExAC 0.00002.
gnomAD v4.1: 5 of 1,614,044 alleles (0.00031%); highest among the groups gnomAD compares: Non-Finnish European, 0.00042%; no homozygotes.

Submissions (3):

PreventionGenetics, part of Exact Sciences
Classification: Uncertain significance for RFT1-related condition. Last evaluated: 2026-08-04. Review status: criteria provided, single submitter. Criteria: ACMG Guidelines, 2015. Collection method: clinical testing. Allele origin: germline.
Comment: The RFT1 c.1169G>A variant is predicted to result in the amino acid substitution p.Cys390Tyr. To our knowledge, this variant has not been reported in the literature. This variant is reported in 0.0035% of alleles in individuals of European (non-Finnish) descent in gnomAD. At this time, the clinical significance of this variant is uncertain due to the absence of conclusive functional and genetic evidence.

Ambry Genetics
Classification: Uncertain significance for Inborn genetic diseases. Last evaluated: 2025-11-03. Review status: criteria provided, single submitter. Criteria: Ambry Variant Classification Scheme 2023. Collection method: clinical testing. Allele origin: germline.

Labcorp Genetics (formerly Invitae), Labcorp
Classification: Uncertain significance for RFT1-congenital disorder of glycosylation. Last evaluated: 2024-10-23. Review status: criteria provided, single submitter. Criteria: Invitae Variant Classification Sherloc (09022015). Collection method: clinical testing. Allele origin: germline.
Comment: This sequence change replaces cysteine, which is neutral and slightly polar, with tyrosine, which is neutral and polar, at codon 390 of the RFT1 protein (p.Cys390Tyr). This variant is present in population databases (rs758102329, gnomAD 0.004%). This variant has not been reported in the literature in individuals affected with RFT1-related conditions. ClinVar contains an entry for this variant (Variation ID: 1429148). Invitae Evidence Modeling of protein sequence and biophysical properties (such as structural, functional, and spatial information, amino acid conservation, physicochemical variation, residue mobility, and thermodynamic stability) indicates that this missense variant is expected to disrupt RFT1 protein function with a positive predictive value of 80%. In summary, the available evidence is currently insufficient to determine the role of this variant in disease. Therefore, it has been classified as a Variant of Uncertain Significance.

NM_052859.4(RFT1):c.1169G>A (p.Cys390Tyr)

Gene: RFT1 (RFT1 glycolipid translocator homolog; minus strand). Cytogenetic location: 3p21.1.
Variant type: single nucleotide variant.
Coding change: c.1169G>A on transcript NM_052859.4 (MANE Select); coding-DNA position 1169, G replaced by A.
Protein change: p.Cys390Tyr; replaces cysteine 390 with tyrosine.
Molecular consequence: missense variant.
Genome position (GRCh38, 1-based): chr3:53,099,420, C>T on the plus strand (G>A on the coding strand, the complement: RFT1 is on the minus strand). VCF-style: chr3-53099420-C-T. GRCh37 (hg19) VCF-style: chr3-53133436-C-T.
Other names: c.1169G>A (NM_052859.3); short protein forms C390Y.
Identifiers: ClinVar variation 1429148 (VCV001429148.9), dbSNP rs758102329, ClinGen allele CA2451222.